The following is an entry in ClinVar:

ClinVar aggregate classification (germline): Uncertain significance (1 of 4 stars; one submission).

gnomAD v4.1: 1 of 1,613,780 alleles (0.000062%); highest among the groups gnomAD compares: Non-Finnish European, 0.000085%; no homozygotes.

Submission:

Women's Health and Genetics/Laboratory Corporation of America, LabCorp
Classification: Uncertain significance. Last evaluated: 2024-09-26. Review status: criteria provided, single submitter. Criteria: LabCorp Variant Classification Summary - May 2015. Collection method: clinical testing. Allele origin: germline.
Comment: Variant summary: ADGRL1 c.2162A>G (p.Asn721Ser) results in a conservative amino acid change located in the N-terminal GAIN domain of the encoded protein sequence. Three of five in-silico tools predict a damaging effect of the variant on protein function. Several computational tools predict a significant impact on normal splicing: Three predict the variant weakens a 5' donor site. One predicts the variant has no significant impact on splicing. However, these predictions have yet to be confirmed by functional studies. The frequency data for this variant in gnomAD is considered unreliable, as metrics indicate poor data quality at this position. To our knowledge, no occurrence of c.2162A>G in individuals affected with Developmental Delay, Behavioral Abnormalities, And Neuropsychiatric Disorders and no experimental evidence demonstrating its impact on protein function have been reported. No submitters have cited clinical-significance assessments for this variant to ClinVar. Based on the evidence outlined above, the variant was classified as uncertain significance.

NM_014921.5(ADGRL1):c.2147A>G (p.Asn716Ser)

Genes: ADGRL1 (adhesion G protein-coupled receptor L1; minus strand), ADGRL1-AS1 (ADGRL1 antisense RNA 1; plus strand). Cytogenetic location: 19p13.12.
Variant type: single nucleotide variant.
Coding change: c.2147A>G on transcript NM_014921.5 (MANE Select); coding-DNA position 2147, A replaced by G.
Protein change: p.Asn716Ser; replaces asparagine 716 with serine.
Molecular consequence: missense variant.
Genome position (GRCh38, 1-based): chr19:14,159,092, T>C on the plus strand (A>G on the coding strand, the complement: ADGRL1 is on the minus strand). VCF-style: chr19-14159092-T-C. GRCh37 (hg19) VCF-style: chr19-14269904-T-C.
Other names: c.2162A>G, p.Asn721Ser (NM_001008701.3); short protein forms N716S, N721S.
Identifiers: ClinVar variation 3375175 (VCV003375175.1).
Genomic context (GRCh38, chr19:14,159,092, plus strand): 5'-AGCTGGGGGGTGGGGGTGGGGCTGCTTCCCCACCCGAGGCCCCGCCGGGGACACTGACCA[T>C]TGCGGCTGTTCTGCTTGATGGTTTTGGCAGACAGCTGGATGGAGTTCTTTCTCGGGTACT-3'
Protein context (NP_055736.2, residues 706-726): SAKTIKQNSR[Asn716Ser]GVVKVVFILY